The following is an entry in ClinVar:

NM_001382567.1(STIM1):c.774G>T (p.Leu258=)

Gene: STIM1 (stromal interaction molecule 1; plus strand). Cytogenetic location: 11p15.4.
Variant type: single nucleotide variant.
Coding change: c.774G>T on transcript NM_001382567.1 (MANE Select); coding-DNA position 774, G replaced by T.
Protein change: p.Leu258=; no amino-acid change (leucine 258 retained).
Molecular consequence: synonymous variant. On other transcripts: non-coding transcript variant (2).
Genome position (GRCh38, 1-based): chr11:4,070,186, G>T. VCF-style: chr11-4070186-G-T. GRCh37 (hg19) VCF-style: chr11-4091416-G-T.
Other names: c.639G>T, p.Leu213= (NM_001382569.1); c.546G>T, p.Leu182= (NM_001382570.1); c.294G>T, p.Leu98= (NM_001382571.1); c.774G>T, p.Leu258= (NM_001382572.1, NM_001277961.3, NM_001277962.2 and 2 more transcripts); c.552G>T, p.Leu184= (NM_001382573.1, NM_001382574.1, NM_001382575.1 and 5 more transcripts); c.774G>T (NM_003156.3); c.285G>T, p.Leu95= (NM_001382580.1, NM_001382581.1).
Identifiers: ClinVar variation 1090360 (VCV001090360.11), dbSNP rs140997213, ClinGen allele CA5830310.

ClinVar aggregate classification (germline): Likely benign. Review status: criteria provided, single submitter (1 of 4 stars). 2 submissions from 2 submitters: Likely benign (1). 1 of the submissions does not count toward it. Last evaluated 2025-12-02.

Conditions:
Combined immunodeficiency due to STIM1 deficiency. Also called: IMMUNODEFICIENCY 10; STIM1 DEFICIENCY. Identifiers: Orphanet 169090, Orphanet 317430, MedGen C2748557, MONDO:0013008, OMIM 612783.
Stormorken syndrome (STRMK). Also called: THROMBOCYTOPATHY, ASPLENIA, AND MIOSIS. Identifiers: Orphanet 3204, MedGen C1861451, MONDO:0008497, OMIM 185070.
Myopathy with tubular aggregates (TAM). Also called: Tubular Aggregate Myopathy. Identifiers: Orphanet 2593, MedGen C0410207, MONDO:0008051.
STIM1-related disorder. Also called: STIM1-related condition.

Allele frequency attached by ClinVar (database versions not stated): gnomAD exomes 0.00005 and 0.00001; gnomAD 0.00007 and 0.00009; 1000 Genomes Project 0.00020; ExAC 0.00007; ESP Exome Variant Server 0.00023; TOPMed 0.00014; 1000 Genomes Project 30x 0.00016.
gnomAD v4.1: 25 of 1,614,104 alleles (0.0015%); highest among the groups gnomAD compares: East Asian, 0.022%; no homozygotes.

Submissions (2):

Labcorp Genetics (formerly Invitae), Labcorp
Classification: Likely benign for Myopathy with tubular aggregates; Combined immunodeficiency due to STIM1 deficiency; Stormorken syndrome. Last evaluated: 2025-12-02. Review status: criteria provided, single submitter. Criteria: Invitae Variant Classification Sherloc (09022015). Collection method: clinical testing. Allele origin: germline.

PreventionGenetics, part of Exact Sciences
Classification: Likely benign for STIM1-related condition. Last evaluated: 2019-04-01. Review status: no assertion criteria provided. Collection method: clinical testing. Allele origin: germline. Not counted in ClinVar's aggregate classification.
Comment: This variant is classified as likely benign based on ACMG/AMP sequence variant interpretation guidelines (Richards et al. 2015 PMID: 25741868, with internal and published modifications).